The following is an entry in ClinVar:

NM_001330700.2(TOP2B):c.853G>T (p.Val285Leu)

Gene: TOP2B (DNA topoisomerase II beta; minus strand). Cytogenetic location: 3p24.2.
Variant type: single nucleotide variant.
Coding change: c.853G>T on transcript NM_001330700.2 (MANE Select); coding-DNA position 853, G replaced by T.
Protein change: p.Val285Leu; replaces valine 285 with leucine.
Molecular consequence: missense variant.
Genome position (GRCh38, 1-based): chr3:25,634,014, C>A on the plus strand (G>T on the coding strand, the complement: TOP2B is on the minus strand). VCF-style: chr3-25634014-C-A. GRCh37 (hg19) VCF-style: chr3-25675505-C-A.
Other names: c.838G>T (NM_001068.2); c.838G>T, p.Val280Leu (NM_001068.3); short protein forms V280L, V285L.
Identifiers: ClinVar variation 1587585 (VCV001587585.10), dbSNP rs201071120, ClinGen allele CA2288818.

ClinVar aggregate classification (germline): Conflicting classifications of pathogenicity. Review status: criteria provided, conflicting classifications (1 of 4 stars). 3 submissions from 3 submitters: Uncertain significance (1); Likely benign (2). Last evaluated 2026-08-01.

Allele frequency attached by ClinVar (database versions not stated): gnomAD 0.00011; TOPMed 0.00015.
gnomAD v4.1: 246 of 1,593,602 alleles (0.015%); highest among the groups gnomAD compares: Middle Eastern, 0.1%; no homozygotes.

Submissions (3):

CeGaT Center for Human Genetics Tuebingen
Classification: Likely benign. Last evaluated: 2026-08-01. Review status: criteria provided, single submitter. Criteria: CeGaT Center For Human Genetics Tuebingen Variant Classification Criteria Version 2. Collection method: clinical testing. Allele origin: germline. Affected: yes. Observed: 1 variant allele.
Comment: TOP2B: BS1

Labcorp Genetics (formerly Invitae), Labcorp
Classification: Likely benign. Last evaluated: 2026-01-17. Review status: criteria provided, single submitter. Criteria: Invitae Variant Classification Sherloc (09022015). Collection method: clinical testing. Allele origin: germline.

Ambry Genetics
Classification: Uncertain significance. Last evaluated: 2022-07-26. Review status: criteria provided, single submitter. Criteria: Ambry Variant Classification Scheme 2023. Collection method: clinical testing. Allele origin: germline.